The following is an entry in ClinVar:

NM_000071.3(CBS):c.736+5G>A

Gene: CBS (cystathionine beta-synthase; minus strand). Cytogenetic location: 21q22.3.
Variant type: single nucleotide variant.
Coding change: c.736+5G>A on transcript NM_000071.3 (MANE Select); 5 bases into the intron after coding-DNA position 736, G replaced by A.
Molecular consequence: intron variant.
Genome position (GRCh38, 1-based): chr21:43,065,198, C>T on the plus strand (G>A on the coding strand, the complement: CBS is on the minus strand). VCF-style: chr21-43065198-C-T. GRCh37 (hg19) VCF-style: chr21-44485308-C-T.
Other names: c.736+5G>A (NM_001320298.2, NM_001178009.3, NM_001178008.3); c.421+5G>A (NM_001321072.1).
Identifiers: ClinVar variation 384021 (VCV000384021.37), dbSNP rs750518463, ClinGen allele CA16609065.

ClinVar aggregate classification (germline): Uncertain significance. Review status: criteria provided, multiple submitters, no conflicts (2 of 4 stars). 6 submissions from 6 submitters: Uncertain significance (5). 1 of the submissions does not count toward it. Last evaluated 2025-07-21.

Conditions:
HYPERHOMOCYSTEINEMIA, THROMBOTIC, CBS-RELATED. Identifiers: MedGen C3150344, OMIM 236200.
Familial thoracic aortic aneurysm and aortic dissection (TAAD). Also called: Thoracic aortic aneurysms and dissections. Identifiers: Orphanet 91387, MedGen C4707243, MONDO:0019625.
Classic homocystinuria. Also called: Homocystinuria due to Cystathionine Beta-Synthase Deficiency; HOMOCYSTINURIA WITH OR WITHOUT RESPONSE TO PYRIDOXINE; Homocystinuria due to CBS deficiency; Cystathionine beta-synthase deficiency; CBS deficiency. Identifiers: Orphanet 394, MedGen C0751202, MONDO:0009352, OMIM 236200.

Allele frequency attached by ClinVar (database versions not stated): ExAC 0.00010; gnomAD 0.00001; gnomAD exomes 0.00006.

Submissions (6):

Labcorp Genetics (formerly Invitae), Labcorp
Classification: Uncertain significance for HYPERHOMOCYSTEINEMIA, THROMBOTIC, CBS-RELATED. Last evaluated: 2025-07-21. Review status: criteria provided, single submitter. Criteria: Invitae Variant Classification Sherloc (09022015). Collection method: clinical testing. Allele origin: germline.
Comment: This sequence change falls in intron 8 of the CBS gene. It does not directly change the encoded amino acid sequence of the CBS protein. It affects a nucleotide within the consensus splice site. This variant is present in population databases (rs750518463, gnomAD 0.01%). This variant has not been reported in the literature in individuals affected with CBS-related conditions. ClinVar contains an entry for this variant (Variation ID: 384021). Variants that disrupt the consensus splice site are a relatively common cause of aberrant splicing (PMID: 17576681, 9536098). Algorithms developed to predict the effect of sequence changes on RNA splicing suggest that this variant may disrupt the consensus splice site. In summary, the available evidence is currently insufficient to determine the role of this variant in disease. Therefore, it has been classified as a Variant of Uncertain Significance.

Blueprint Genetics
Classification: Uncertain significance. Last evaluated: 2024-10-16. Review status: criteria provided, single submitter. Criteria: ACMG Guidelines, 2015. Collection method: clinical testing. Allele origin: germline.

CeGaT Center for Human Genetics Tuebingen
Classification: Uncertain significance. Last evaluated: 2023-11-01. Review status: criteria provided, single submitter. Criteria: CeGaT Center For Human Genetics Tuebingen Variant Classification Criteria Version 2. Collection method: clinical testing. Allele origin: germline. Affected: yes. Observed: 1 variant allele.
Comment: CBS: PM2, BP4

Ambry Genetics
Classification: Uncertain significance for Familial thoracic aortic aneurysm and aortic dissection. Last evaluated: 2021-01-05. Review status: criteria provided, single submitter. Criteria: Ambry Variant Classification Scheme 2023. Collection method: clinical testing. Allele origin: germline.
Comment: The c.736+5G>A intronic variant results from a G to A substitution 5 nucleotides after coding exon 6 in the CBS gene. This nucleotide position is well conserved in available vertebrate species. In silico splice site analysis for this alteration is inconclusive. Since supporting evidence is limited at this time, the clinical significance of this alteration remains unclear.

GeneDx
Classification: Uncertain significance. Last evaluated: 2019-05-03. Review status: criteria provided, single submitter. Criteria: GeneDx Variant Classification Process June 2021. Collection method: clinical testing. Allele origin: germline. Affected: yes.

Natera, Inc.
Classification: Uncertain significance for Homocystinuria due to cystathionine beta-synthase deficiency. Last evaluated: 2020-09-16. Review status: no assertion criteria provided. Collection method: clinical testing. Allele origin: germline. Not counted in ClinVar's aggregate classification.

Literature cited by the submitters: PubMed 17576681 (cited by Labcorp Genetics (formerly Invitae), Labcorp); PubMed 9536098 (cited by Labcorp Genetics (formerly Invitae), Labcorp).